The following is an entry in ClinVar:

NM_017780.4(CHD7):c.5667_5894+1del

Gene: CHD7 (chromodomain helicase DNA binding protein 7; plus strand). Cytogenetic location: 8q12.2.
Variant type: Deletion.
Coding change: c.5667_5894+1del on transcript NM_017780.4 (MANE Select); coding-DNA position 5667 through the canonical splice donor site of the intron after coding-DNA position 5894, 229 bases deleted.
Molecular consequence: splice donor variant. On other transcripts: intron variant (1).
Genome position (GRCh38, 1-based): chr8:60,852,020-60,852,248, 229 bases deleted. GRCh37 (hg19): chr8:61,764,579-61,764,807.
Other names: c.1717-10209_1717-9981del (NM_001316690.1).
Identifiers: ClinVar variation 3911899 (VCV003911899.1).

ClinVar aggregate classification (germline): Likely pathogenic (0 of 4 stars; one submission).

Conditions:
CHARGE syndrome (CHARGE). Also called: Hittner Hirsch Kreh syndrome; CHARGE ASSOCIATION--COLOBOMA, HEART ANOMALY, CHOANAL ATRESIA, RETARDATION, GENITAL AND EAR ANOMALIES; Coloboma, heart anomaly, choanal atresia, retardation, genital and ear anomalies; CHARGE association; Hall-Hittner syndrome. Identifiers: Orphanet 138, MedGen C0265354, MONDO:0008965.

Submission:

Medical Genetics and Prenatal Diagnosis Center, The Third Affiliated Hospital of Zhengzhou University
Classification: Likely pathogenic for CHD7-related CHARGE syndrome. Review status: no assertion criteria provided. Collection method: clinical testing. Allele origin: germline. Affected: yes.
Comment: PM2.This copy number variation has not been reported in the Database of Genomic Variants (DGV). This variant involves only exon 29 of the CHD7 gene. CHD7 is a haploinsufficiency gene (ClinGen Haploinsufficiency Score: 3).PVS1-Moderate. This is a deletion variant predicted to be in-frame.PS2.